The following is an entry in ClinVar:

NM_000195.5(HPS1):c.1089_1099dup (p.His367delinsProTer)

Gene: HPS1 (HPS1 biogenesis of lysosomal organelles complex 3 subunit 1; minus strand). Cytogenetic location: 10q24.2.
Variant type: Duplication.
Coding change: c.1089_1099dup on transcript NM_000195.5 (MANE Select); coding-DNA positions 1089 to 1099, 11 bases duplicated (CCTAGTGCCCC).
Protein change: p.His367delinsProTer.
Molecular consequence: nonsense.
Genome position (GRCh38, 1-based): chr10:98,425,874-98,425,884, GGGGCACTAGG duplicated on the plus strand (CCTAGTGCCCC on the coding strand, the reverse complement: HPS1 is on the minus strand); duplicating any 11 consecutive bases within chr10:98,425,874-98,425,887 gives the same sequence; the c. name uses the placement nearest the transcript's 3' end. VCF-style (leftmost placement, unchanged base first): chr10-98425873-T-TGGGGCACTAGG. GRCh37 (hg19) VCF-style: chr10-100185630-T-TGGGGCACTAGG.
Other names: c.621_631dup, p.His211delinsProTer (NM_001322485.2); c.117_127dup, p.His43delinsProTer (NM_001322487.2, NM_001322489.2, NM_001311345.2); c.1089_1099dup, p.His367delinsProTer (NM_001322476.2, NM_001322477.2); c.990_1000dup, p.His334delinsProTer (NM_001322478.2, NM_001322479.2); c.828_838dup, p.His280delinsProTer (NM_001322480.2, NM_001322481.2); c.729_739dup, p.His247delinsProTer (NM_001322482.2); c.720_730dup, p.His244delinsProTer (NM_001322483.2, NM_001322484.2).
Identifiers: ClinVar variation 3638687 (VCV003638687.2).

ClinVar aggregate classification (germline): Pathogenic (1 of 4 stars; one submission).

Submission:

Labcorp Genetics (formerly Invitae), Labcorp
Classification: Pathogenic. Last evaluated: 2024-02-03. Review status: criteria provided, single submitter. Criteria: Invitae Variant Classification Sherloc (09022015). Collection method: clinical testing. Allele origin: germline.
Comment: This sequence change creates a premature translational stop signal (p.His367Profs*2) in the HPS1 gene. It is expected to result in an absent or disrupted protein product. Loss-of-function variants in HPS1 are known to be pathogenic (PMID: 12442288, 16185271). This variant is not present in population databases (gnomAD no frequency). This variant has not been reported in the literature in individuals affected with HPS1-related conditions. For these reasons, this variant has been classified as Pathogenic.

Literature cited by the submitters: PubMed 12442288; PubMed 16185271.